The following is an entry in ClinVar:

NM_000285.4(PEPD):c.436A>G (p.Thr146Ala)

Gene: PEPD (peptidase D; minus strand). Cytogenetic location: 19q13.11.
Variant type: single nucleotide variant.
Coding change: c.436A>G on transcript NM_000285.4 (MANE Select); coding-DNA position 436, A replaced by G.
Protein change: p.Thr146Ala; replaces threonine 146 with alanine.
Molecular consequence: missense variant.
Genome position (GRCh38, 1-based): chr19:33,493,295, T>C on the plus strand (A>G on the coding strand, the complement: PEPD is on the minus strand). VCF-style: chr19-33493295-T-C. GRCh37 (hg19) VCF-style: chr19-33984201-T-C.
Other names: c.436A>G, p.Thr146Ala (NM_001166056.2); c.244A>G, p.Thr82Ala (NM_001166057.2); short protein forms T146A, T82A.
Identifiers: ClinVar variation 1960659 (VCV001960659.5), dbSNP rs2513496935, ClinGen allele CA405231007.

ClinVar aggregate classification (germline): Uncertain significance (1 of 4 stars; one submission).

Submission:

Labcorp Genetics (formerly Invitae), Labcorp
Classification: Uncertain significance. Last evaluated: 2024-06-02. Review status: criteria provided, single submitter. Criteria: Invitae Variant Classification Sherloc (09022015). Collection method: clinical testing. Allele origin: germline.
Comment: This sequence change replaces threonine, which is neutral and polar, with alanine, which is neutral and non-polar, at codon 146 of the PEPD protein (p.Thr146Ala). This variant is not present in population databases (gnomAD no frequency). This variant has not been reported in the literature in individuals affected with PEPD-related conditions. ClinVar contains an entry for this variant (Variation ID: 1960659). Advanced modeling of protein sequence and biophysical properties (such as structural, functional, and spatial information, amino acid conservation, physicochemical variation, residue mobility, and thermodynamic stability) performed at Invitae indicates that this missense variant is not expected to disrupt PEPD protein function with a negative predictive value of 80%. In summary, the available evidence is currently insufficient to determine the role of this variant in disease. Therefore, it has been classified as a Variant of Uncertain Significance.